The following is an entry in ClinVar:

ClinVar aggregate classification (germline): Likely benign. Review status: criteria provided, multiple submitters, no conflicts (2 of 4 stars). 2 submissions from 2 submitters: Likely benign (2). Last evaluated 2025-12-23.

Conditions:
CFAP410-related disorder. Also called: CFAP410-related condition.

gnomAD v4.1: 31 of 1,549,260 alleles (0.002%); highest among the groups gnomAD compares: South Asian, 0.0071%; no homozygotes.

Submissions (2):

PreventionGenetics, part of Exact Sciences
Classification: Likely benign for CFAP410-related condition. Last evaluated: 2025-12-23. Review status: criteria provided, single submitter. Criteria: ACMG Guidelines, 2015. Collection method: clinical testing. Allele origin: germline.
Comment: This variant is classified as likely benign based on ACMG/AMP sequence variant interpretation guidelines (Richards et al. 2015 PMID: 25741868, with internal and published modifications).

Blueprint Genetics
Classification: Likely benign. Last evaluated: 2024-03-06. Review status: criteria provided, single submitter. Criteria: ACMG Guidelines, 2015. Collection method: clinical testing. Allele origin: germline.

NM_004928.3(CFAP410):c.643-236C>T

Gene: CFAP410 (cilia and flagella associated protein 410; minus strand). Cytogenetic location: 21q22.3.
Variant type: single nucleotide variant.
Coding change: c.643-236C>T on transcript NM_004928.3 (MANE Select); 236 bases into the intron before coding-DNA position 643, C replaced by T.
Molecular consequence: intron variant. On other transcripts: synonymous variant (1).
Genome position (GRCh38, 1-based): chr21:44,330,562, G>A on the plus strand (C>T on the coding strand, the complement: CFAP410 is on the minus strand). VCF-style: chr21-44330562-G-A. GRCh37 (hg19) VCF-style: chr21-45750445-G-A.
Other names: c.900C>T (NM_001271441.1); c.900C>T, p.Pro300= (NM_001271441.2); c.640-236C>T (NM_001271440.2); c.517-236C>T (NM_001271442.1).
Identifiers: ClinVar variation 4946463 (VCV004946463.2).
Genomic context (GRCh38, chr21:44,330,562, plus strand): 5'-TGGACGCGTGTGTGGCACCTCTTCCACGTGACTCCTGTTGCCCTCAGCCCAGCAGGGCCC[G>A]GGCCCACATTCCACAGACCAGGACAGCAGGAGAGGCTGAGGGGCCAGGACGGCTCCGTGC-3'